The following is an entry in ClinVar:

NM_025103.4(IFT74):c.1683A>G (p.Glu561=)

Gene: IFT74 (intraflagellar transport 74; plus strand). Cytogenetic location: 9p21.2.
Variant type: single nucleotide variant.
Coding change: c.1683A>G on transcript NM_025103.4 (MANE Select); coding-DNA position 1683, A replaced by G.
Protein change: p.Glu561=; no amino-acid change (glutamic acid 561 retained).
Molecular consequence: synonymous variant.
Genome position (GRCh38, 1-based): chr9:27,060,650, A>G. VCF-style: chr9-27060650-A-G. GRCh37 (hg19) VCF-style: chr9-27060648-A-G.
Other names: c.1683A>G, p.Glu561= (NM_001099222.3, NM_001099223.3, NM_001349928.2).
Identifiers: ClinVar variation 2807623 (VCV002807623.3), dbSNP rs2489749813, ClinGen allele CA464170522.
Genomic context (GRCh38, chr9:27,060,650, plus strand): 5'-GCTTACAAATTTGGAGAGAAAGTGGCAACACCTTGAGCAAAATAATTTTGCGATGAAAGA[A>G]TGTATCCTTTAAAAAGCTGAAAATGGGGCCGGGTGCGGTGGCTCATGCCTATAGTCCCAA-3'
Protein context (NP_079379.2, residues 551-571): HLEQNNFAMK[Glu561=]FIATKSQESD

ClinVar aggregate classification (germline): Uncertain significance (1 of 4 stars; one submission).

Submission:

Labcorp Genetics (formerly Invitae), Labcorp
Classification: Uncertain significance. Last evaluated: 2022-11-02. Review status: criteria provided, single submitter. Criteria: Invitae Variant Classification Sherloc (09022015). Collection method: clinical testing. Allele origin: germline.
Comment: This sequence change affects codon 561 of the IFT74 mRNA. It is a 'silent' change, meaning that it does not change the encoded amino acid sequence of the IFT74 protein. It affects a nucleotide within the consensus splice site. This variant is not present in population databases (gnomAD no frequency). This variant has not been reported in the literature in individuals affected with IFT74-related conditions. Algorithms developed to predict the effect of sequence changes on RNA splicing suggest that this variant may disrupt the consensus splice site. In summary, the available evidence is currently insufficient to determine the role of this variant in disease. Therefore, it has been classified as a Variant of Uncertain Significance.